The following is an entry in ClinVar:

ClinVar aggregate classification (germline): Uncertain significance (1 of 4 stars; one submission).

Conditions:
Cardiovascular phenotype. Identifiers: MedGen CN230736.

gnomAD v4.1: 1 of 1,613,712 alleles (0.000062%); highest among the groups gnomAD compares: Non-Finnish European, 0.000085%; no homozygotes.

Submission:

Ambry Genetics
Classification: Uncertain significance for Cardiovascular phenotype. Last evaluated: 2025-05-15. Review status: criteria provided, single submitter. Criteria: Ambry Variant Classification Scheme 2023. Collection method: clinical testing. Allele origin: germline.
Comment: The p.P731S variant (also known as c.2191C>T), located in coding exon 20 of the ANK2 gene, results from a C to T substitution at nucleotide position 2191. The proline at codon 731 is replaced by serine, an amino acid with similar properties. This amino acid position is conserved. In addition, this alteration is predicted to be deleterious by in silico analysis. Based on the available evidence, the clinical significance of this variant remains unclear.

NM_001148.6(ANK2):c.2191C>T (p.Pro731Ser)

Gene: ANK2 (ankyrin 2; plus strand). Cytogenetic location: 4q26.
Variant type: single nucleotide variant.
Coding change: c.2191C>T on transcript NM_001148.6 (MANE Select); coding-DNA position 2191, C replaced by T.
Protein change: p.Pro731Ser; replaces proline 731 with serine.
Molecular consequence: missense variant.
Genome position (GRCh38, 1-based): chr4:113,288,400, C>T. VCF-style: chr4-113288400-C-T. GRCh37 (hg19) VCF-style: chr4-114209556-C-T.
Other names: c.2191C>T, p.Pro731Ser (NM_001354258.2, NM_001354265.2, NM_020977.5 and 6 more transcripts); c.2005C>T, p.Pro669Ser (NM_001354260.2, NM_001354271.2, NM_001386151.1); c.2149C>T, p.Pro717Ser (NM_001354261.2, NM_001386147.1, NM_001386160.1); c.2128C>T, p.Pro710Ser (NM_001354262.2, NM_001354272.2, NM_001354275.2 and 10 more transcripts); c.2104C>T, p.Pro702Ser (NM_001354264.2, NM_001354266.2, NM_001354267.2 and 10 more transcripts); c.2092C>T, p.Pro698Ser (NM_001354268.2, NM_001354245.2); c.1981C>T, p.Pro661Ser (NM_001354269.3); c.2029C>T, p.Pro677Ser (NM_001354270.2, NM_001386156.1, NM_001354253.2 and 1 more transcripts); and 8 more; short protein forms P669S, P698S, P710S, P719S, P731S, P603S, P661S, P665S.
Identifiers: ClinVar variation 4051172 (VCV004051172.1).